The following is an entry in ClinVar:

NM_003482.4(KMT2D):c.4211A>G (p.Tyr1404Cys)

Gene: KMT2D (lysine methyltransferase 2D; minus strand). Cytogenetic location: 12q13.12.
Variant type: single nucleotide variant.
Coding change: c.4211A>G on transcript NM_003482.4 (MANE Select); coding-DNA position 4211, A replaced by G.
Protein change: p.Tyr1404Cys; replaces tyrosine 1404 with cysteine.
Molecular consequence: missense variant.
Genome position (GRCh38, 1-based): chr12:49,047,990, T>C on the plus strand (A>G on the coding strand, the complement: KMT2D is on the minus strand). VCF-style: chr12-49047990-T-C. GRCh37 (hg19) VCF-style: chr12-49441773-T-C.
Other names: short protein forms Y1404C.
Identifiers: ClinVar variation 3012910 (VCV003012910.3), dbSNP rs2498434325, ClinGen allele CA384649217.

ClinVar aggregate classification (germline): Uncertain significance (1 of 4 stars; one submission).

Conditions:
Kabuki syndrome. Also called: Kabuki make-up syndrome; NIIKAWA-KUROKI SYNDROME. Identifiers: Orphanet 2322, MedGen C0796004, MONDO:0016512.

Allele frequency attached by ClinVar (database versions not stated): gnomAD exomes below 0.00001.
gnomAD v4.1: 5 of 1,613,650 alleles (0.00031%); highest among the groups gnomAD compares: Non-Finnish European, 0.00042%; no homozygotes.

Submission:

Labcorp Genetics (formerly Invitae), Labcorp
Classification: Uncertain significance for Kabuki syndrome. Last evaluated: 2024-01-12. Review status: criteria provided, single submitter. Criteria: Invitae Variant Classification Sherloc (09022015). Collection method: clinical testing. Allele origin: germline.
Comment: This sequence change replaces tyrosine, which is neutral and polar, with cysteine, which is neutral and slightly polar, at codon 1404 of the KMT2D protein (p.Tyr1404Cys). This variant is not present in population databases (gnomAD no frequency). This variant has not been reported in the literature in individuals affected with KMT2D-related conditions. Advanced modeling of protein sequence and biophysical properties (such as structural, functional, and spatial information, amino acid conservation, physicochemical variation, residue mobility, and thermodynamic stability) performed at Invitae indicates that this missense variant is expected to disrupt KMT2D protein function with a positive predictive value of 95%. In summary, the available evidence is currently insufficient to determine the role of this variant in disease. Therefore, it has been classified as a Variant of Uncertain Significance.